The following is an entry in ClinVar:

ClinVar aggregate classification (germline): Uncertain significance (1 of 4 stars; one submission).

Conditions:
Juvenile polyposis syndrome (JPS). Identifiers: Orphanet 2929, MedGen C0345893, MONDO:0017380, OMIM 174900.

Submission:

Labcorp Genetics (formerly Invitae), Labcorp
Classification: Uncertain significance for Juvenile polyposis syndrome. Last evaluated: 2025-09-28. Review status: criteria provided, single submitter. Criteria: Invitae Variant Classification Sherloc (09022015). Collection method: clinical testing. Allele origin: germline.
Comment: This sequence change replaces asparagine, which is neutral and polar, with lysine, which is basic and polar, at codon 306 of the SMAD4 protein (p.Asn306Lys). This variant is not present in population databases (gnomAD no frequency). This variant has not been reported in the literature in individuals affected with SMAD4-related conditions. ClinVar contains an entry for this variant (Variation ID: 529955). Invitae Evidence Modeling of protein sequence and biophysical properties (such as structural, functional, and spatial information, amino acid conservation, physicochemical variation, residue mobility, and thermodynamic stability) has been performed for this missense variant. However, the output from this modeling did not meet the statistical confidence thresholds required to predict the impact of this variant on SMAD4 protein function. In summary, the available evidence is currently insufficient to determine the role of this variant in disease. Therefore, it has been classified as a Variant of Uncertain Significance.

NM_005359.6(SMAD4):c.918T>G (p.Asn306Lys)

Gene: SMAD4 (SMAD family member 4; plus strand). Cytogenetic location: 18q21.2.
Variant type: single nucleotide variant.
Coding change: c.918T>G on transcript NM_005359.6 (MANE Select); coding-DNA position 918, T replaced by G.
Protein change: p.Asn306Lys; replaces asparagine 306 with lysine.
Molecular consequence: missense variant.
Genome position (GRCh38, 1-based): chr18:51,059,879, T>G. VCF-style: chr18-51059879-T-G. GRCh37 (hg19) VCF-style: chr18-48586249-T-G.
Other names: short protein forms N306K.
Identifiers: ClinVar variation 529955 (VCV000529955.10), dbSNP rs1555686075, ClinGen allele CA402463664.